The following is an entry in ClinVar:

ClinVar aggregate classification (germline): Uncertain significance (1 of 4 stars; one submission).

gnomAD v4.1: 1 of 1,010,584 alleles (0.000099%); highest among the groups gnomAD compares: Admixed American, 0.0023%; no homozygotes.

Submissions (2):

GeneDx
Classification: Uncertain significance. Last evaluated: 2025-04-08. Review status: criteria provided, single submitter. Criteria: GeneDx Variant Classification Process June 2021. Collection method: clinical testing. Allele origin: germline. Affected: yes.
Comment: Not observed at significant frequency in large population cohorts (gnomAD); In silico analysis indicates that this missense variant does not alter protein structure/function; Has not been previously published as pathogenic or benign to our knowledge

Roden Lab, Vanderbilt University Medical Center
No classification provided (evidence only). Condition: Long QT syndrome 5. Review status: no classification provided. Collection method: in vitro. Allele origin: not applicable. Functional consequence: Effect on ion channel function. Not counted in ClinVar's aggregate classification.
ClinVar note: "not provided" was previously submitted as the classification for the variant. However, the classification appeared to be based only on an observation of functional data so it was converted to no classification on 2025-07-30.

NM_000219.6(KCNE1):c.71G>A (p.Gly24Asp)

Gene: KCNE1 (potassium voltage-gated channel subfamily E regulatory subunit 1; minus strand). Cytogenetic location: 21q22.12.
Variant type: single nucleotide variant.
Coding change: c.71G>A on transcript NM_000219.6 (MANE Select); coding-DNA position 71, G replaced by A.
Protein change: p.Gly24Asp; replaces glycine 24 with aspartic acid.
Molecular consequence: missense variant.
Genome position (GRCh38, 1-based): chr21:34,449,564, C>T on the plus strand (G>A on the coding strand, the complement: KCNE1 is on the minus strand). VCF-style: chr21-34449564-C-T. GRCh37 (hg19) VCF-style: chr21-35821862-C-T.
Other names: c.71G>A, p.Gly24Asp (NM_001127668.4, NM_001127669.4, NM_001127670.4 and 4 more transcripts); short protein forms G24D.
Identifiers: ClinVar variation 3373968 (VCV003373968.3).